The following is an entry in ClinVar:

NM_020457.3(THAP11):c.366_392dup (p.Gln132_Ser133insGlnGlnGlnGlnGlnGlnGlnGlnGln)

Genes: CENPT (centromere protein T; minus strand), THAP11 (THAP domain containing 11; plus strand). Cytogenetic location: 16q22.1.
Variant type: Duplication.
Coding change: c.366_392dup on transcript NM_020457.3 (MANE Select); coding-DNA positions 366 to 392, 27 bases duplicated (ACAGCAGCAGCAGCAGCAGCAGCAGCA).
Protein change: p.Gln132_Ser133insGlnGlnGlnGlnGlnGlnGlnGlnGln.
Molecular consequence: inframe insertion. On other transcripts: intron variant (1).
Genome position (GRCh38, 1-based): chr16:67,842,920-67,842,946, ACAGCAGCAGCAGCAGCAGCAGCAGCA duplicated; duplicating any 27 consecutive bases within chr16:67,842,903-67,842,946 gives the same sequence; the c. name uses the placement nearest the transcript's 3' end. VCF-style (leftmost placement, unchanged base first): chr16-67842902-A-ACAGCAGCAGCAGCAGCAACAGCAGCAG. GRCh37 (hg19) VCF-style: chr16-67876805-A-ACAGCAGCAGCAGCAGCAACAGCAGCAG.
Other names: c.-492+4472_-492+4498dup (NM_025082.4).
Identifiers: ClinVar variation 1598988 (VCV001598988.10), dbSNP rs758758376, ClinGen allele CA8118208.

ClinVar aggregate classification (germline): Benign. Review status: criteria provided, single submitter (1 of 4 stars). 2 submissions from 2 submitters: Benign (1). 1 of the submissions does not count toward it. Last evaluated 2026-01-18.

Conditions:
THAP11-related disorder. Also called: THAP11-related condition.

Submissions (2):

Labcorp Genetics (formerly Invitae), Labcorp
Classification: Benign. Last evaluated: 2026-01-18. Review status: criteria provided, single submitter. Criteria: Invitae Variant Classification Sherloc (09022015). Collection method: clinical testing. Allele origin: germline.

PreventionGenetics, part of Exact Sciences
Classification: Likely benign for THAP11-related condition. Last evaluated: 2023-11-30. Review status: no assertion criteria provided. Collection method: clinical testing. Allele origin: germline. Not counted in ClinVar's aggregate classification.
Comment: This variant is classified as likely benign based on ACMG/AMP sequence variant interpretation guidelines (Richards et al. 2015 PMID: 25741868, with internal and published modifications).